The following is an entry in ClinVar:

NM_000535.7(PMS2):c.354-23C>G

Gene: PMS2 (PMS1 homolog 2, mismatch repair system component; minus strand). Cytogenetic location: 7p22.1.
Variant type: single nucleotide variant.
Coding change: c.354-23C>G on transcript NM_000535.7 (MANE Select); 23 bases into the intron before coding-DNA position 354, C replaced by G.
Molecular consequence: intron variant. On other transcripts: missense variant (9).
Genome position (GRCh38, 1-based): chr7:6,002,659, G>C on the plus strand (C>G on the coding strand, the complement: PMS2 is on the minus strand). VCF-style: chr7-6002659-G-C. GRCh37 (hg19) VCF-style: chr7-6042290-G-C.
Other names: c.-52-23C>G (NM_001322013.2, NM_001406905.1, NM_001406906.1 and 24 more transcripts); c.-531-23C>G (NM_001322012.2, NM_001322011.2); c.250+1313C>G (NM_001406885.1); c.36-23C>G (NM_001406901.1, NM_001406903.1, NM_001322007.2 and 4 more transcripts); c.354-23C>G (NM_001406886.1, NM_001406884.1, NM_001406874.1 and 8 more transcripts); c.378-23C>G (NM_001406868.1); c.540-23C>G (NM_001406866.1); c.22C>G, p.Pro8Ala (NM_001322015.2, NM_001406875.1, NM_001406877.1 and 6 more transcripts); short protein forms P8A.
Identifiers: ClinVar variation 4881356 (VCV004881356.2).

ClinVar aggregate classification (germline): Uncertain significance (1 of 4 stars; one submission).

gnomAD v4.1: 8 of 1,587,958 alleles (0.0005%); highest among the groups gnomAD compares: Non-Finnish European, 0.00069%; no homozygotes.

Submission:

Dasa
Classification: Uncertain significance. Last evaluated: 2025-11-05. Review status: criteria provided, single submitter. Criteria: DASA Assertion Criteria. Collection method: clinical testing. Allele origin: germline.
Comment: NM_001322015.2(PMS2):c.22C>G (p.Pro8Ala) is a missense variant that results in the substitution of proline with alanine. This variant is rare in population databases. The currently available literature and clinical evidence are not sufficient to establish a definitive association between this variant and the reported condition. Therefore, this variant is classified as a variant of uncertain significance.